The following is an entry in ClinVar:

NC_000023.11:g.820337_843143del

Genes: CNE7 (CNE7 enhancer downstream of SHOX; plus strand), LOC108251802 (SHOX downstream enhancer, distal recombination region; plus strand). Cytogenetic location: Yp11.2.
Variant type: Deletion.
Identifiers: ClinVar variation 560137 (VCV000560137.4).

ClinVar aggregate classification (germline): Uncertain significance (1 of 4 stars; one submission).

Conditions:
Leri-Weill dyschondrosteosis (LWD). Also called: Leri-Weill Dyschondrosteosis (LWD); Léri-Weill dyschondrosteosis; DYSCHONDROSTEOSIS. Identifiers: Orphanet 240, MedGen C0265309, MONDO:0007481, OMIM 127300.

Submission:

Geisinger Autism and Developmental Medicine Institute, Geisinger Health System
Classification: Uncertain significance for Leri-Weill dyschondrosteosis. Last evaluated: 2018-03-30. Review status: criteria provided, single submitter. Criteria: ACMG CNV Guidelines, 2011. Collection method: provider interpretation. Allele origin: unknown.
Comment: Parental testing was not completed. This deletion is within the pseudoautosomal region on the short arm terminus of both chromosome X and Y, and involves SHOX enhancers. Similar deletions have been seen in patients with microcephaly, developmental delays, and/or speech delays. The clinical signifiance of this deletion is currently unclear.

Literature cited by the submitters: PubMed 19578035; PubMed 22791839; PubMed 23636926.